The following is an entry in ClinVar:

ClinVar aggregate classification (germline): Uncertain significance. Review status: criteria provided, multiple submitters, no conflicts (2 of 4 stars). 2 submissions from 2 submitters: Uncertain significance (2). Last evaluated 2024-11-09.

Conditions:
Inborn genetic diseases. Identifiers: MedGen C0950123, MeSH D030342.

Allele frequency attached by ClinVar (database versions not stated): gnomAD exomes 0.00001; ExAC 0.00003; gnomAD 0.00005; ESP Exome Variant Server 0.00008; TOPMed 0.00009.

Submissions (2):

Ambry Genetics
Classification: Uncertain significance for Inborn genetic diseases. Last evaluated: 2024-11-09. Review status: criteria provided, single submitter. Criteria: Ambry Variant Classification Scheme 2023. Collection method: clinical testing. Allele origin: germline.

Labcorp Genetics (formerly Invitae), Labcorp
Classification: Uncertain significance. Last evaluated: 2022-03-21. Review status: criteria provided, single submitter. Criteria: Invitae Variant Classification Sherloc (09022015). Collection method: clinical testing. Allele origin: germline.
Comment: In summary, the available evidence is currently insufficient to determine the role of this variant in disease. Therefore, it has been classified as a Variant of Uncertain Significance. Algorithms developed to predict the effect of missense changes on protein structure and function output the following: SIFT: "Deleterious"; PolyPhen-2: "Benign"; Align-GVGD: "Class C0". The asparagine amino acid residue is found in multiple mammalian species, which suggests that this missense change does not adversely affect protein function. This variant has not been reported in the literature in individuals affected with MLPH-related conditions. This variant is present in population databases (rs373088038, gnomAD 0.02%). This sequence change replaces aspartic acid, which is acidic and polar, with asparagine, which is neutral and polar, at codon 310 of the MLPH protein (p.Asp310Asn).

NM_024101.7(MLPH):c.928G>A (p.Asp310Asn)

Gene: MLPH (melanophilin; plus strand). Cytogenetic location: 2q37.3.
Variant type: single nucleotide variant.
Coding change: c.928G>A on transcript NM_024101.7 (MANE Select); coding-DNA position 928, G replaced by A.
Protein change: p.Asp310Asn; replaces aspartic acid 310 with asparagine.
Molecular consequence: missense variant. On other transcripts: non-coding transcript variant (1), intron variant (1).
Genome position (GRCh38, 1-based): chr2:237,527,424, G>A. VCF-style: chr2-237527424-G-A. GRCh37 (hg19) VCF-style: chr2-238436067-G-A.
Other names: c.928G>A, p.Asp310Asn (NM_001042467.3); c.808G>A, p.Asp270Asn (NM_001281473.2); c.675+7395G>A (NM_001281474.2); short protein forms D310N, D270N.
Identifiers: ClinVar variation 2142345 (VCV002142345.5), dbSNP rs373088038, ClinGen allele CA2190410.